The following is an entry in ClinVar:

ClinVar aggregate classification (germline): Likely benign. Review status: criteria provided, multiple submitters, no conflicts (2 of 4 stars). 3 submissions from 2 submitters: Likely benign (3). Last evaluated 2018-01-13.

Conditions:
Warburg micro syndrome 2 (WARBM2). Also called: MICRO SYNDROME 2. Identifiers: Orphanet 2510, MedGen C3280214, MONDO:0013641, OMIM 614225.
Martsolf syndrome (MARTS). Also called: Congenital cataract with intellectual disability and hypogonadotropic hypogonadism syndrome. Identifiers: Orphanet 1387, MedGen C0796037, MONDO:0023910.

Allele frequency attached by ClinVar (database versions not stated): 1000 Genomes Project 30x 0.00328; 1000 Genomes Project 0.00359; TOPMed 0.00504; gnomAD 0.00507 and 0.00513.

Submissions (3):

Illumina Laboratory Services, Illumina
Classification: Likely benign for Martsolf syndrome 1. Last evaluated: 2018-01-13. Review status: criteria provided, single submitter. Criteria: ICSL Variant Classification Criteria 13 December 2019. Collection method: clinical testing. Allele origin: germline.
Comment: This variant was observed in the ICSL laboratory as part of a predisposition screen in an ostensibly healthy population. It had not been previously curated by ICSL or reported in the Human Gene Mutation Database (HGMD: prior to June 1st, 2018), and was therefore a candidate for classification through an automated scoring system. Utilizing variant allele frequency, disease prevalence and penetrance estimates, and inheritance mode, an automated score was calculated to assess if this variant is too frequent to cause the disease. Based on the score and internal cut-off values, a variant classified as likely benign is not then subjected to further curation. The score for this variant resulted in a classification of likely benign for this disease.

Illumina Laboratory Services, Illumina
Classification: Likely benign for Warburg micro syndrome 2. Last evaluated: 2018-01-13. Review status: criteria provided, single submitter. Criteria: ICSL Variant Classification Criteria 13 December 2019. Collection method: clinical testing. Allele origin: germline.
Comment: the same text as in the submission from Illumina Laboratory Services, Illumina above.

Breakthrough Genomics
Classification: Likely benign. Review status: criteria provided, single submitter. Criteria: ACMG Guidelines, 2015. Collection method: not provided. Allele origin: germline. Inheritance: Autosomal recessive inheritance. Affected: yes.

NM_012414.4(RAB3GAP2):c.*2327A>G

Gene: RAB3GAP2 (RAB3 GTPase activating non-catalytic protein subunit 2; minus strand). Cytogenetic location: 1q41.
Variant type: single nucleotide variant.
Coding change: c.*2327A>G on transcript NM_012414.4 (MANE Select); 2327 bases downstream of the stop codon, A replaced by G.
Molecular consequence: 3 prime UTR variant.
Genome position (GRCh38, 1-based): chr1:220,148,924, T>C on the plus strand (A>G on the coding strand, the complement: RAB3GAP2 is on the minus strand). VCF-style: chr1-220148924-T-C. GRCh37 (hg19) VCF-style: chr1-220322266-T-C.
Identifiers: ClinVar variation 295615 (VCV000295615.6), dbSNP rs139079455, ClinGen allele CA10610136.